The following is an entry in ClinVar:

ClinVar aggregate classification (germline): Uncertain significance (1 of 4 stars; one submission).

Conditions:
Cardiovascular phenotype. Identifiers: MedGen CN230736.

Submission:

Ambry Genetics
Classification: Uncertain significance for Cardiovascular phenotype. Last evaluated: 2023-03-11. Review status: criteria provided, single submitter. Criteria: Ambry Variant Classification Scheme 2023. Collection method: clinical testing. Allele origin: germline.
Comment: The p.T2836N variant (also known as c.8507C>A), located in coding exon 24 of the TNXB gene, results from a C to A substitution at nucleotide position 8507. The threonine at codon 2836 is replaced by asparagine, an amino acid with similar properties. This amino acid position is conserved. In addition, this alteration is predicted to be tolerated by in silico analysis. Since supporting evidence is limited at this time, the clinical significance of this alteration remains unclear.

NM_001365276.2(TNXB):c.8513C>A (p.Thr2838Asn)

Gene: TNXB (tenascin XB; minus strand). Cytogenetic location: 6p21.33.
Variant type: single nucleotide variant.
Coding change: c.8513C>A on transcript NM_001365276.2 (MANE Select); coding-DNA position 8513, C replaced by A.
Protein change: p.Thr2838Asn; replaces threonine 2838 with asparagine.
Molecular consequence: missense variant.
Genome position (GRCh38, 1-based): chr6:32,053,666, G>T on the plus strand (C>A on the coding strand, the complement: TNXB is on the minus strand). VCF-style: chr6-32053666-G-T. GRCh37 (hg19) VCF-style: chr6-32021443-G-T.
Other names: c.8507C>A, p.Thr2836Asn (NM_019105.8); short protein forms T2836N, T2838N.
Identifiers: ClinVar variation 2451206 (VCV002451206.2), dbSNP rs1777447093, ClinGen allele CA363547538.